The following is an entry in ClinVar:

ClinVar aggregate classification (germline): Uncertain significance (1 of 4 stars; one submission).

Conditions:
Epidermolysis bullosa simplex 5B, with muscular dystrophy (EBS5B). Also called: Epidermolysis bullosa simplex with muscular dystrophy; EPIDERMOLYSIS BULLOSA SIMPLEX AND LIMB-GIRDLE MUSCULAR DYSTROPHY. Identifiers: Orphanet 257, MedGen C2931072, MONDO:0009181, OMIM 226670.
Epidermolysis bullosa simplex, Ogna type (EBS5A). Also called: Pidermolysis bullosa simplex 5A, Ogna type; EPIDERMOLYSIS BULLOSA SIMPLEX 5A, OGNA TYPE. Identifiers: Orphanet 79401, MedGen C0432317, MONDO:0007555, OMIM 131950.
Epidermolysis bullosa simplex 5C, with pyloric atresia (EBS5C). Also called: PLEC-Related Epidermolysis Bullosa with Pyloric Atresia; Epidermolysis bullosa simplex with pyloric atresia; PLEC1-Related Epidermolysis Bullosa with Pyloric Atresia. Identifiers: Orphanet 158684, MedGen C2677349, MONDO:0012807, OMIM 612138.
Autosomal recessive limb-girdle muscular dystrophy type 2Q (LGMDR17). Also called: MUSCULAR DYSTROPHY, LIMB-GIRDLE, AUTOSOMAL RECESSIVE 17. Identifiers: Orphanet 254361, MedGen C3150989, MONDO:0013390, OMIM 613723.
Epidermolysis bullosa simplex with nail dystrophy (EBS5D). Identifiers: MedGen C4225309, MONDO:0014661, OMIM 616487.

Submission:

Labcorp Genetics (formerly Invitae), Labcorp
Classification: Uncertain significance for Autosomal recessive limb-girdle muscular dystrophy type 2Q; Epidermolysis bullosa simplex, Ogna type; Epidermolysis bullosa simplex with nail dystrophy; Epidermolysis bullosa simplex 5C, with pyloric atresia; Epidermolysis bullosa simplex 5B, with muscular dystrophy. Last evaluated: 2020-07-15. Review status: criteria provided, single submitter. Criteria: Invitae Variant Classification Sherloc (09022015). Collection method: clinical testing. Allele origin: germline.
Comment: Experimental studies and prediction algorithms are not available or were not evaluated, and the functional significance of this variant is currently unknown. In summary, the available evidence is currently insufficient to determine the role of this variant in disease. Therefore, it has been classified as a Variant of Uncertain Significance. This variant has not been reported in the literature in individuals with PLEC-related conditions. This variant is not present in population databases (ExAC no frequency). This variant, c.6043_6045del, results in the deletion of 1 amino acid(s) of the PLEC protein (p.Glu2015del), but otherwise preserves the integrity of the reading frame.

NM_201384.3(PLEC):c.5959GAG[1] (p.Glu1988del)

Gene: PLEC (plectin; minus strand). Cytogenetic location: 8q24.3.
Variant type: Microsatellite.
Coding change: c.5959GAG[1] on transcript NM_201384.3 (MANE Select); one copy of the 3-base unit GAG starting at c.5959; the reference has two copies in a row; one copy, 3 bases deleted.
Protein change: p.Glu1988del; deletes glutamic acid 1988.
Molecular consequence: inframe deletion.
Genome position (GRCh38, 1-based): chr8:143,923,965-143,923,967, CTC deleted on the plus strand (GAG on the coding strand, the reverse complement: PLEC is on the minus strand); deleting any 3 consecutive bases within chr8:143,923,965-143,923,970 gives the same sequence; the position shown is the placement nearest the transcript's 3' end. VCF-style (leftmost placement, unchanged base first): chr8-143923964-GCTC-G. GRCh37 (hg19) VCF-style: chr8-144998132-GCTC-G.
Other names: c.6040GAG[1], p.Glu2015del (NM_000445.5); c.5917GAG[1], p.Glu1974del (NM_201378.4); c.5893GAG[1], p.Glu1966del (NM_201379.3); c.6370GAG[1], p.Glu2125del (NM_201380.4); c.5863GAG[1], p.Glu1956del (NM_201381.3); c.5959GAG[1], p.Glu1988del (NM_201382.4); c.5971GAG[1], p.Glu1992del (NM_201383.3); short protein forms E1956del, E1966del, E1974del, E1988del, E1992del, E2015del, E2125del.
Identifiers: ClinVar variation 1004037 (VCV001004037.5), dbSNP rs1823915897, ClinGen allele CA1826043577.